The following is an entry in ClinVar:

NM_000256.3(MYBPC3):c.1914C>T (p.Phe638=)

Gene: MYBPC3 (myosin binding protein C3; minus strand). Cytogenetic location: 11p11.2.
Variant type: single nucleotide variant.
Coding change: c.1914C>T on transcript NM_000256.3 (MANE Select); coding-DNA position 1914, C replaced by T.
Protein change: p.Phe638=; no amino-acid change (phenylalanine 638 retained).
Molecular consequence: synonymous variant.
Genome position (GRCh38, 1-based): chr11:47,341,016, G>A on the plus strand (C>T on the coding strand, the complement: MYBPC3 is on the minus strand). VCF-style: chr11-47341016-G-A. GRCh37 (hg19) VCF-style: chr11-47362567-G-A.
Identifiers: ClinVar variation 42584 (VCV000042584.26), dbSNP rs377227442, ClinGen allele CA011491.
Genomic context (GRCh38, chr11:47,341,016, plus strand): 5'-TTGCGGGAAAGTGAGCAGAACCAAGACTCAGGGGCCCCAAGACTTACCCTGCCTGGGTAC[G>A]AAGTCAATCTTGACCTCTGCAAGAGAAGGAAGAGCAAGTAGCACGGGGGCAAAGGCAGGG-3'
Protein context (NP_000247.2, residues 628-648): KLHFMEVKID[Phe638=]VPRQEPPKIH

ClinVar aggregate classification (germline): Likely benign. Review status: criteria provided, multiple submitters, no conflicts (2 of 4 stars). 9 submissions from 9 submitters: Likely benign (9). Last evaluated 2025-09-14.

Conditions:
MYBPC3-related disorder. Also called: MYBPC3-related disorders; MYBPC3-related condition; MYBPC3-related disease.
Cardiovascular phenotype. Identifiers: MedGen CN230736.
Cardiomyopathy (CMYO). Also called: Cardiomyopathies. Identifiers: Orphanet 167848, MedGen C0878544, MONDO:0004994, HP:0001638. Inheritance: Various modes of inheritance.
Hypertrophic cardiomyopathy. Also called: HYPERTROPHIC MYOCARDIOPATHY. Identifiers: Orphanet 217569, MedGen C0007194, MeSH D002312, MONDO:0005045, HP:0001639.

Allele frequency attached by ClinVar (database versions not stated): gnomAD exomes 0.00002 and 0.00004; TOPMed 0.00003; ESP Exome Variant Server 0.00008; ExAC 0.00011.
gnomAD v4.1: 38 of 1,570,026 alleles (0.0024%); highest among the groups gnomAD compares: Middle Eastern, 0.083%; no homozygotes.

Submissions (9):

Labcorp Genetics (formerly Invitae), Labcorp
Classification: Likely benign for Hypertrophic cardiomyopathy. Last evaluated: 2025-09-14. Review status: criteria provided, single submitter. Criteria: Invitae Variant Classification Sherloc (09022015). Collection method: clinical testing. Allele origin: germline.

PreventionGenetics, part of Exact Sciences
Classification: Likely benign for MYBPC3-related condition. Last evaluated: 2025-09-12. Review status: criteria provided, single submitter. Criteria: ACMG Guidelines, 2015. Collection method: clinical testing. Allele origin: germline.
Comment: This variant is classified as likely benign based on ACMG/AMP sequence variant interpretation guidelines (Richards et al. 2015 PMID: 25741868, with internal and published modifications).

Women's Health and Genetics/Laboratory Corporation of America, LabCorp
Classification: Likely benign. Last evaluated: 2025-05-05. Review status: criteria provided, single submitter. Criteria: LabCorp Variant Classification Summary - May 2015. Collection method: clinical testing. Allele origin: germline.

Blueprint Genetics
Classification: Likely benign. Last evaluated: 2024-08-05. Review status: criteria provided, single submitter. Criteria: ACMG Guidelines, 2015. Collection method: clinical testing. Allele origin: germline.

All of Us Research Program, National Institutes of Health
Classification: Likely benign for Hypertrophic cardiomyopathy. Last evaluated: 2024-01-11. Review status: criteria provided, single submitter. Criteria: ACMG Guidelines, 2015. Collection method: clinical testing. Allele origin: germline. Inheritance: Autosomal dominant inheritance. Observed: 15 variant alleles, 15 heterozygotes.
Comment: This study involves interpretation of variants in research participants for the purpose of population health screening. Participant phenotype was not available at the time of variant classification. Additional details can be found in publication PMID: 35346344, PMCID: PMC8962531

CHEO Genetics Diagnostic Laboratory, Children's Hospital of Eastern Ontario
Classification: Likely benign for Cardiomyopathy. Last evaluated: 2021-04-23. Review status: criteria provided, single submitter. Criteria: ACMG Guidelines, 2015. Collection method: clinical testing. Allele origin: germline.

Color Diagnostics, LLC DBA Color Health
Classification: Likely benign for Cardiomyopathy. Last evaluated: 2018-10-30. Review status: criteria provided, single submitter. Criteria: ACMG Guidelines, 2015. Collection method: clinical testing. Allele origin: germline.

Ambry Genetics
Classification: Likely benign for Cardiovascular phenotype. Last evaluated: 2016-06-10. Review status: criteria provided, single submitter. Criteria: Ambry Variant Classification Scheme 2023. Collection method: clinical testing. Allele origin: germline.

Laboratory for Molecular Medicine, Mass General Brigham Personalized Medicine
Classification: Likely benign. Last evaluated: 2015-07-07. Review status: criteria provided, single submitter. Criteria: LMM Criteria. Collection method: clinical testing. Allele origin: germline. Observed: 2 variant alleles.
Comment: p.Phe638Phe in exon 20 of MYBPC3: This variant is not expected to have clinical significance because it is not located within the splice consensus sequence. It has been identified in 3/21968 European chromosomes and 1/3290 African chromoso mes by the Exome Aggregation Consortium (ExAC; d bSNP rs377227442).